The following is an entry in ClinVar:

NM_005559.4(LAMA1):c.3217G>A (p.Ala1073Thr)

Gene: LAMA1 (laminin subunit alpha 1; minus strand). Cytogenetic location: 18p11.31.
Variant type: single nucleotide variant.
Coding change: c.3217G>A on transcript NM_005559.4 (MANE Select); coding-DNA position 3217, G replaced by A.
Protein change: p.Ala1073Thr; replaces alanine 1073 with threonine.
Molecular consequence: missense variant.
Genome position (GRCh38, 1-based): chr18:7,013,961, C>T on the plus strand (G>A on the coding strand, the complement: LAMA1 is on the minus strand). VCF-style: chr18-7013961-C-T. GRCh37 (hg19) VCF-style: chr18-7013960-C-T.
Other names: short protein forms A1073T.
Identifiers: ClinVar variation 1950359 (VCV001950359.5), dbSNP rs1432311908, ClinGen allele CA401850188.

ClinVar aggregate classification (germline): Uncertain significance (1 of 4 stars; one submission).

Allele frequency attached by ClinVar (database versions not stated): gnomAD exomes below 0.00001; TOPMed 0.00001.
gnomAD v4.1: 1 of 1,613,896 alleles (0.000062%); highest among the groups gnomAD compares: Admixed American, 0.0017%; no homozygotes.

Submission:

Labcorp Genetics (formerly Invitae), Labcorp
Classification: Uncertain significance. Last evaluated: 2022-03-25. Review status: criteria provided, single submitter. Criteria: Invitae Variant Classification Sherloc (09022015). Collection method: clinical testing. Allele origin: germline.
Comment: In summary, the available evidence is currently insufficient to determine the role of this variant in disease. Therefore, it has been classified as a Variant of Uncertain Significance. Algorithms developed to predict the effect of missense changes on protein structure and function output the following: SIFT: "Tolerated"; PolyPhen-2: "Benign"; Align-GVGD: "Class C0". The threonine amino acid residue is found in multiple mammalian species, which suggests that this missense change does not adversely affect protein function. This variant has not been reported in the literature in individuals affected with LAMA1-related conditions. This variant is present in population databases (no rsID available, gnomAD 0.003%). This sequence change replaces alanine, which is neutral and non-polar, with threonine, which is neutral and polar, at codon 1073 of the LAMA1 protein (p.Ala1073Thr).